The following is an entry in ClinVar:

ClinVar aggregate classification (germline): Uncertain significance. Review status: criteria provided, multiple submitters, no conflicts (2 of 4 stars). 3 submissions from 3 submitters: Uncertain significance (3). Last evaluated 2026-01-06.

Conditions:
Shprintzen-Goldberg syndrome (SGS). Also called: CRANIOSYNOSTOSIS WITH ARACHNODACTYLY AND ABDOMINAL HERNIAS; SHPRINTZEN-GOLDBERG CRANIOSYNOSTOSIS SYNDROME; Marfanoid disorder with craniosynostosis type 1; Marfanoid craniosynostosis syndrome; Shprintzen-Goldberg marfanoid syndrome. Identifiers: Orphanet 2462, MedGen C1321551, MONDO:0008426, OMIM 182212.
Familial thoracic aortic aneurysm and aortic dissection (TAAD). Also called: Thoracic aortic aneurysms and dissections. Identifiers: Orphanet 91387, MedGen C4707243, MONDO:0019625.

Allele frequency attached by ClinVar (database versions not stated): gnomAD exomes 0.00001 and below 0.00001; ExAC 0.00001; TOPMed 0.00001.
gnomAD v4.1: 19 of 1,605,232 alleles (0.0012%); highest among the groups gnomAD compares: Non-Finnish European, 0.0015%; no homozygotes.

Submissions (3):

Ambry Genetics
Classification: Uncertain significance for Familial thoracic aortic aneurysm and aortic dissection. Last evaluated: 2026-01-06. Review status: criteria provided, single submitter. Criteria: Ambry Variant Classification Scheme 2023. Collection method: clinical testing. Allele origin: germline.
Comment: The p.A208P variant (also known as c.622G>C), located in coding exon 1 of the SKI gene, results from a G to C substitution at nucleotide position 622. The alanine at codon 208 is replaced by proline, an amino acid with highly similar properties. This amino acid position is conserved. In addition, the in silico prediction for this alteration is inconclusive. Based on the available evidence, the clinical significance of this variant remains unclear.

GeneDx
Classification: Uncertain significance. Last evaluated: 2025-11-04. Review status: criteria provided, single submitter. Criteria: GeneDx Variant Classification Process June 2021. Collection method: clinical testing. Allele origin: germline.
Comment: Identified in a patient with cranioectodermal dysplasia (CED, also known as Sensenbrenner syndrome) who also harbored compound heterozygous variants in the WDR35 gene; the SKI variant was not thought to be related to the reported syndrome by the authors (PMID: 24123776); In silico analysis suggests that this missense variant does not alter protein structure/function; This variant is associated with the following publications: (PMID: 24123776)

Labcorp Genetics (formerly Invitae), Labcorp
Classification: Uncertain significance for Shprintzen-Goldberg syndrome. Last evaluated: 2020-08-20. Review status: criteria provided, single submitter. Criteria: Invitae Variant Classification Sherloc (09022015). Collection method: clinical testing. Allele origin: germline.
Comment: In summary, the available evidence is currently insufficient to determine the role of this variant in disease. Therefore, it has been classified as a Variant of Uncertain Significance. Advanced modeling of protein sequence and biophysical properties (such as structural, functional, and spatial information, amino acid conservation, physicochemical variation, residue mobility, and thermodynamic stability) performed at Invitae indicates that this missense variant is not expected to disrupt SKI protein function. This variant has not been reported in the literature in individuals with SKI-related conditions. This variant is present in population databases (rs761138564, ExAC 0.02%). This sequence change replaces alanine with proline at codon 208 of the SKI protein (p.Ala208Pro). The alanine residue is moderately conserved and there is a small physicochemical difference between alanine and proline.

NM_003036.4(SKI):c.622G>C (p.Ala208Pro)

Gene: SKI (SKI proto-oncogene; plus strand). Cytogenetic location: 1p36.33.
Variant type: single nucleotide variant.
Coding change: c.622G>C on transcript NM_003036.4 (MANE Select); coding-DNA position 622, G replaced by C.
Protein change: p.Ala208Pro; replaces alanine 208 with proline.
Molecular consequence: missense variant.
Genome position (GRCh38, 1-based): chr1:2,229,388, G>C. VCF-style: chr1-2229388-G-C. GRCh37 (hg19) VCF-style: chr1-2160827-G-C.
Other names: c.622G>C (NM_003036.3); short protein forms A208P.
Identifiers: ClinVar variation 1015227 (VCV001015227.11), dbSNP rs761138564, ClinGen allele CA536425.